The following is an entry in ClinVar:

NM_005360.5(MAF):c.378C>A (p.Gly126=)

Gene: MAF (MAF bZIP transcription factor; minus strand). Cytogenetic location: 16q23.2.
Variant type: single nucleotide variant.
Coding change: c.378C>A on transcript NM_005360.5 (MANE Select); coding-DNA position 378, C replaced by A.
Protein change: p.Gly126=; no amino-acid change (glycine 126 retained).
Molecular consequence: synonymous variant.
Genome position (GRCh38, 1-based): chr16:79,599,525, G>T on the plus strand (C>A on the coding strand, the complement: MAF is on the minus strand). VCF-style: chr16-79599525-G-T. GRCh37 (hg19) VCF-style: chr16-79633422-G-T.
Other names: c.378C>A, p.Gly126= (NM_001031804.3).
Identifiers: ClinVar variation 3257278 (VCV003257278.17).
Genomic context (GRCh38, chr16:79,599,525, plus strand): 5'-GGCACCGGCCCCGGCCGCCGCGGCCAGCTGCTGCGCCCCGCGCGCGTAGCCATCGAAGCC[G>T]CCCTGGAGCTGGTGGCTGTTGCTGATGAGCGCCTCGACCGCGTCCTCGGGGCTGAAGCCC-3'
Protein context (NP_005351.2, residues 116-136): ALISNSHQLQ[Gly126=]GFDGYARGAQ

ClinVar aggregate classification (germline): Likely benign (1 of 4 stars; one submission).

gnomAD v4.1: 1 of 1,549,926 alleles (0.000065%); highest among the groups gnomAD compares: Admixed American, 0.002%; no homozygotes.

Submission:

CeGaT Center for Human Genetics Tuebingen
Classification: Likely benign. Last evaluated: 2024-07-01. Review status: criteria provided, single submitter. Criteria: CeGaT Center For Human Genetics Tuebingen Variant Classification Criteria Version 2. Collection method: clinical testing. Allele origin: germline. Affected: yes. Observed: 1 variant allele.
Comment: MAF: BP4, BP7